The following is an entry in ClinVar:

NM_198565.3(NRROS):c.70G>A (p.Gly24Arg)

Gene: NRROS (negative regulator of reactive oxygen species; plus strand). Cytogenetic location: 3q29.
Variant type: single nucleotide variant.
Coding change: c.70G>A on transcript NM_198565.3 (MANE Select); coding-DNA position 70, G replaced by A.
Protein change: p.Gly24Arg; replaces glycine 24 with arginine.
Molecular consequence: missense variant.
Genome position (GRCh38, 1-based): chr3:196,654,609, G>A. VCF-style: chr3-196654609-G-A. GRCh37 (hg19) VCF-style: chr3-196381480-G-A.
Other names: c.70G>A (NM_198565.1); short protein forms G24R.
Identifiers: ClinVar variation 1423459 (VCV001423459.8), dbSNP rs151257083, ClinGen allele CA2781619.

ClinVar aggregate classification (germline): Uncertain significance. Review status: criteria provided, multiple submitters, no conflicts (2 of 4 stars). 3 submissions from 3 submitters: Uncertain significance (3). Last evaluated 2024-06-11.

Conditions:
Seizures, early-onset, with neurodegeneration and brain calcifications. Identifiers: MedGen C5394359, MONDO:0030033, OMIM 618875.
Inborn genetic diseases. Identifiers: MedGen C0950123, MeSH D030342.

Allele frequency attached by ClinVar (database versions not stated): 1000 Genomes Project 0.00020; 1000 Genomes Project 30x 0.00031; ExAC 0.00043; gnomAD 0.00060 and 0.00063; TOPMed 0.00061; ESP Exome Variant Server 0.00077.

Submissions (3):

Labcorp Genetics (formerly Invitae), Labcorp
Classification: Uncertain significance. Last evaluated: 2024-06-11. Review status: criteria provided, single submitter. Criteria: Invitae Variant Classification Sherloc (09022015). Collection method: clinical testing. Allele origin: germline.
Comment: This sequence change replaces glycine, which is neutral and non-polar, with arginine, which is basic and polar, at codon 24 of the NRROS protein (p.Gly24Arg). This variant is present in population databases (rs151257083, gnomAD 0.08%), and has an allele count higher than expected for a pathogenic variant. This variant has not been reported in the literature in individuals affected with NRROS-related conditions. ClinVar contains an entry for this variant (Variation ID: 1423459). Advanced modeling of protein sequence and biophysical properties (such as structural, functional, and spatial information, amino acid conservation, physicochemical variation, residue mobility, and thermodynamic stability) performed at Invitae indicates that this missense variant is not expected to disrupt NRROS protein function with a negative predictive value of 80%. In summary, the available evidence is currently insufficient to determine the role of this variant in disease. Therefore, it has been classified as a Variant of Uncertain Significance.

Ambry Genetics
Classification: Uncertain significance for Inborn genetic diseases. Last evaluated: 2023-12-13. Review status: criteria provided, single submitter. Criteria: Ambry Variant Classification Scheme 2023. Collection method: clinical testing. Allele origin: germline.

Revvity Omics, Revvity
Classification: Uncertain significance for Seizures, early-onset, with neurodegeneration and brain calcifications. Last evaluated: 2022-08-24. Review status: criteria provided, single submitter. Criteria: ACMG Guidelines, 2015. Collection method: clinical testing. Allele origin: germline.